The following is an entry in ClinVar:

ClinVar aggregate classification (germline): Uncertain significance (1 of 4 stars; one submission).

Submission:

GeneDx
Classification: Uncertain significance. Last evaluated: 2024-10-22. Review status: criteria provided, single submitter. Criteria: GeneDx Variant Classification Process June 2021. Collection method: clinical testing. Allele origin: germline. Affected: yes.
Comment: Not observed at significant frequency in large population cohorts (gnomAD); In silico analysis indicates that this missense variant does not alter protein structure/function; Has not been previously published as pathogenic or benign to our knowledge

NM_006440.5(TXNRD2):c.5C>G (p.Ala2Gly)

Genes: COMT (catechol-O-methyltransferase; plus strand), TXNRD2 (thioredoxin reductase 2; minus strand). Cytogenetic location: 22q11.21.
Variant type: single nucleotide variant.
Coding change: c.5C>G on transcript NM_006440.5 (MANE Select); coding-DNA position 5, C replaced by G.
Protein change: p.Ala2Gly; replaces alanine 2 with glycine.
Molecular consequence: missense variant. On other transcripts: non-coding transcript variant (1), 5 prime UTR variant (2).
Genome position (GRCh38, 1-based): chr22:19,941,799, G>C on the plus strand (C>G on the coding strand, the complement: TXNRD2 is on the minus strand). VCF-style: chr22-19941799-G-C. GRCh37 (hg19) VCF-style: chr22-19929322-G-C.
Other names: c.5C>G, p.Ala2Gly (NM_001282512.3, NM_001352300.2); c.-190G>C (NM_000754.4); c.-484G>C (NM_001362828.2); short protein forms A2G.
Identifiers: ClinVar variation 3893374 (VCV003893374.1).